The following is an entry in ClinVar:

ClinVar aggregate classification (germline): Likely benign. Review status: criteria provided, multiple submitters, no conflicts (2 of 4 stars). 2 submissions from 2 submitters: Likely benign (2). Last evaluated 2026-03-01.

Allele frequency attached by ClinVar (database versions not stated): gnomAD exomes below 0.00001.
gnomAD v4.1: 2 of 1,613,514 alleles (0.00012%); highest among the groups gnomAD compares: Admixed American, 0.0017%; no homozygotes.

Submissions (2):

CeGaT Center for Human Genetics Tuebingen
Classification: Likely benign. Last evaluated: 2026-03-01. Review status: criteria provided, single submitter. Criteria: CeGaT Center For Human Genetics Tuebingen Variant Classification Criteria Version 2. Collection method: clinical testing. Allele origin: germline. Affected: yes. Observed: 1 variant allele.
Comment: CACNA1B: BP4, BP7

Labcorp Genetics (formerly Invitae), Labcorp
Classification: Likely benign. Last evaluated: 2022-08-16. Review status: criteria provided, single submitter. Criteria: Invitae Variant Classification Sherloc (09022015). Collection method: clinical testing. Allele origin: germline.

NM_000718.4(CACNA1B):c.5757C>T (p.Ser1919=)

Gene: CACNA1B (calcium voltage-gated channel subunit alpha1 B; plus strand). Cytogenetic location: 9q34.3.
Variant type: single nucleotide variant.
Coding change: c.5757C>T on transcript NM_000718.4 (MANE Select); coding-DNA position 5757, C replaced by T.
Protein change: p.Ser1919=; no amino-acid change (serine 1919 retained).
Molecular consequence: synonymous variant.
Genome position (GRCh38, 1-based): chr9:138,115,659, C>T. VCF-style: chr9-138115659-C-T. GRCh37 (hg19) VCF-style: chr9-141010111-C-T.
Other names: c.5757C>T, p.Ser1919= (NM_001243812.2).
Identifiers: ClinVar variation 1900540 (VCV001900540.9), dbSNP rs1244919897, ClinGen allele CA467899141.